The following is an entry in ClinVar:

NM_001134407.3(GRIN2A):c.2008-4C>A

Gene: GRIN2A (glutamate ionotropic receptor NMDA type subunit 2A; minus strand). Cytogenetic location: 16p13.2.
Variant type: single nucleotide variant.
Coding change: c.2008-4C>A on transcript NM_001134407.3 (MANE Select); 4 bases into the intron before coding-DNA position 2008, C replaced by A.
Molecular consequence: intron variant.
Genome position (GRCh38, 1-based): chr16:9,822,428, G>T on the plus strand (C>A on the coding strand, the complement: GRIN2A is on the minus strand). VCF-style: chr16-9822428-G-T. GRCh37 (hg19) VCF-style: chr16-9916285-G-T.
Other names: c.2008-4C>A (NM_001134408.2, NM_000833.5).
Identifiers: ClinVar variation 672231 (VCV000672231.1), dbSNP rs1193947383, ClinGen allele CA915949117.

ClinVar aggregate classification (germline): Likely benign (1 of 4 stars; one submission).

Submission:

GeneDx
Classification: Likely benign. Last evaluated: 2018-06-20. Review status: criteria provided, single submitter. Criteria: GeneDx Variant Classification (06012015). Collection method: clinical testing. Allele origin: germline. Affected: yes.
Comment: This variant is considered likely benign or benign based on one or more of the following criteria: it is a conservative change, it occurs at a poorly conserved position in the protein, it is predicted to be benign by multiple in silico algorithms, and/or has population frequency not consistent with disease.